The following is an entry in ClinVar:

NM_152490.5(B3GALNT2):c.790T>A (p.Phe264Ile)

Gene: B3GALNT2 (beta-1,3-N-acetylgalactosaminyltransferase 2; minus strand). Cytogenetic location: 1q42.3.
Variant type: single nucleotide variant.
Coding change: c.790T>A on transcript NM_152490.5 (MANE Select); coding-DNA position 790, T replaced by A.
Protein change: p.Phe264Ile; replaces phenylalanine 264 with isoleucine.
Molecular consequence: missense variant.
Genome position (GRCh38, 1-based): chr1:235,465,687, A>T on the plus strand (T>A on the coding strand, the complement: B3GALNT2 is on the minus strand). VCF-style: chr1-235465687-A-T. GRCh37 (hg19) VCF-style: chr1-235629004-A-T.
Other names: p.Phe264Ile; c.913T>A, p.Phe305Ile (NM_001277155.3); c.790T>A (NM_152490.2); short protein forms F264I, F305I.
Identifiers: ClinVar variation 644502 (VCV000644502.8), dbSNP rs779469431, ClinGen allele CA1464791.

ClinVar aggregate classification (germline): Uncertain significance. Review status: criteria provided, multiple submitters, no conflicts (2 of 4 stars). 3 submissions from 3 submitters: Uncertain significance (3). Last evaluated 2024-06-12.

Conditions:
Muscular dystrophy-dystroglycanopathy (congenital with brain and eye anomalies), type a, 11 (MDDGA11). Also called: WALKER-WARBURG SYNDROME OR MUSCLE-EYE-BRAIN DISEASE, B3GALNT2-RELATED; Congenital muscular dystrophy-dystroglycanopathy with brain and eye anomalies, type A11; Muscular dystrophy-dystroglycanopathy (congenital with brain and eye anomalies, type A, 11. Identifiers: Orphanet 588, Orphanet 899, MedGen C3554638, MONDO:0014071, OMIM 615181.

Allele frequency attached by ClinVar (database versions not stated): gnomAD exomes 0.00002; TOPMed 0.00002; ExAC 0.00003; gnomAD 0.00005 and 0.00006.
gnomAD v4.1: 34 of 1,613,972 alleles (0.0021%); highest among the groups gnomAD compares: Non-Finnish European, 0.0013%; no homozygotes.

Submissions (3):

GeneDx
Classification: Uncertain significance. Last evaluated: 2024-06-12. Review status: criteria provided, single submitter. Criteria: GeneDx Variant Classification Process June 2021. Collection method: clinical testing. Allele origin: germline. Affected: yes.
Comment: Not observed at significant frequency in large population cohorts (gnomAD); In silico analysis indicates that this missense variant does not alter protein structure/function; Has not been previously published as pathogenic or benign to our knowledge

Mayo Clinic Laboratories, Mayo Clinic
Classification: Uncertain significance. Last evaluated: 2024-01-19. Review status: criteria provided, single submitter. Criteria: ACMG Guidelines, 2015. Collection method: clinical testing. Allele origin: germline. Observed: 1 variant allele.
Comment: BP4, PM2_moderate

Labcorp Genetics (formerly Invitae), Labcorp
Classification: Uncertain significance for Muscular dystrophy-dystroglycanopathy (congenital with brain and eye anomalies), type a, 11. Last evaluated: 2022-07-19. Review status: criteria provided, single submitter. Criteria: Invitae Variant Classification Sherloc (09022015). Collection method: clinical testing. Allele origin: germline.
Comment: This variant has not been reported in the literature in individuals affected with B3GALNT2-related conditions. This variant is present in population databases (rs779469431, gnomAD 0.01%). This sequence change replaces phenylalanine, which is neutral and non-polar, with isoleucine, which is neutral and non-polar, at codon 264 of the B3GALNT2 protein (p.Phe264Ile). ClinVar contains an entry for this variant (Variation ID: 644502). In summary, the available evidence is currently insufficient to determine the role of this variant in disease. Therefore, it has been classified as a Variant of Uncertain Significance. Algorithms developed to predict the effect of missense changes on protein structure and function (SIFT, PolyPhen-2, Align-GVGD) all suggest that this variant is likely to be tolerated.